The following is an entry in ClinVar:

NM_000138.5(FBN1):c.3359A>T (p.Asp1120Val)

Gene: FBN1 (fibrillin 1; minus strand). Cytogenetic location: 15q21.1.
Variant type: single nucleotide variant.
Coding change: c.3359A>T on transcript NM_000138.5 (MANE Select); coding-DNA position 3359, A replaced by T.
Protein change: p.Asp1120Val; replaces aspartic acid 1120 with valine.
Molecular consequence: missense variant.
Genome position (GRCh38, 1-based): chr15:48,487,416, T>A on the plus strand (A>T on the coding strand, the complement: FBN1 is on the minus strand). VCF-style: chr15-48487416-T-A. GRCh37 (hg19) VCF-style: chr15-48779613-T-A.
Other names: short protein forms D1120V.
Identifiers: ClinVar variation 1004610 (VCV001004610.12), dbSNP rs1183556572, ClinGen allele CA392326695.

ClinVar aggregate classification (germline): Conflicting classifications of pathogenicity. Review status: criteria provided, conflicting classifications (1 of 4 stars). 4 submissions from 4 submitters: Uncertain significance (3); Likely benign (1). Last evaluated 2026-07-13.

Conditions:
Ectopia lentis 1, isolated, autosomal dominant (ECTOL1). Identifiers: Orphanet 1885, MedGen C3541518, MONDO:0007514, OMIM 129600.
Acromicric dysplasia (ACMICD). Also called: Acromicric skeletal dysplasia. Identifiers: Orphanet 969, MedGen C0265287, MONDO:0007055, OMIM 102370.
MASS syndrome (OCTD). Also called: OVERLAP CONNECTIVE TISSUE DISEASE; MASS PHENOTYPE. Identifiers: MedGen C1858556, MONDO:0011431, OMIM 604308.
Marfan syndrome (MFS). Also called: Marfan syndrome type 1; Marfan's syndrome; Marfan syndrome, classic; FBN1-Related Marfan Syndrome; MARFAN SYNDROME, TYPE I. Identifiers: Orphanet 284963, Orphanet 558, MedGen C0024796, MONDO:0007947, OMIM 154700.
Stiff skin syndrome (SSKS). Identifiers: Orphanet 2833, MedGen C1861456, MONDO:0008492, OMIM 184900.
Geleophysic dysplasia 2 (GPHYSD2). Identifiers: Orphanet 2623, MedGen C3280054, MONDO:0013612, OMIM 614185.
Progeroid and marfanoid aspect-lipodystrophy syndrome. Also called: Marfan lipodystrophy syndrome; MARFANOID-PROGEROID-LIPODYSTROPHY SYNDROME; MARFANOID-PROGEROID SYNDROME; MARFAN-PROGEROID-LIPODYSTROPHY SYNDROME. Identifiers: Orphanet 300382, MedGen C4310796, MONDO:0014831, OMIM 616914.
Weill-Marchesani syndrome 2, dominant. Also called: Weill-Marchesani Syndrome, Autosomal Dominant; FBN1-Related Weill-Marchesani Syndrome. Identifiers: Orphanet 2084, MedGen C1869115, MONDO:0012013, OMIM 608328.
Familial thoracic aortic aneurysm and aortic dissection (TAAD). Also called: Thoracic aortic aneurysms and dissections. Identifiers: Orphanet 91387, MedGen C4707243, MONDO:0019625.

Allele frequency attached by ClinVar (database versions not stated): gnomAD 0.00002; gnomAD exomes 0.00001; TOPMed 0.00002.
gnomAD v4.1: 11 of 1,613,912 alleles (0.00068%); highest among the groups gnomAD compares: African/African-American, 0.012%; no homozygotes.

Submissions (4):

Ambry Genetics
Classification: Uncertain significance for Familial thoracic aortic aneurysm and aortic dissection. Last evaluated: 2026-07-13. Review status: criteria provided, single submitter. Criteria: Ambry Variant Classification Scheme 2023. Collection method: clinical testing. Allele origin: germline.
Comment: The p.D1120V variant (also known as c.3359A>T), located in coding exon 27 of the FBN1 gene, results from an A to T substitution at nucleotide position 3359. The aspartic acid at codon 1120 is replaced by valine, an amino acid with highly dissimilar properties. This amino acid position is conserved. In addition, the in silico prediction for this alteration is inconclusive. Based on the available evidence, the clinical significance of this variant remains unclear.

GeneDx
Classification: Uncertain significance. Last evaluated: 2024-09-09. Review status: criteria provided, single submitter. Criteria: GeneDx Variant Classification Process June 2021. Collection method: clinical testing. Allele origin: germline. Affected: yes.
Comment: Not observed at significant frequency in large population cohorts (gnomAD); In silico analysis supports that this missense variant has a deleterious effect on protein structure/function; Has not been previously published as pathogenic or benign to our knowledge; Does not affect a cysteine or calcium-binding residue within an EGF-like domain or a TGF-binding protein domain of the FBN1 gene; cysteine substitutions in the EGF-like domains represent the majority of pathogenic missense changes associated with FBN1-related disorders (PMID: 12938084); This variant is associated with the following publications: (PMID: 12938084)

Labcorp Genetics (formerly Invitae), Labcorp
Classification: Likely benign for Marfan syndrome; Familial thoracic aortic aneurysm and aortic dissection. Last evaluated: 2022-09-13. Review status: criteria provided, single submitter. Criteria: Invitae Variant Classification Sherloc (09022015). Collection method: clinical testing. Allele origin: germline.

Fulgent Genetics
Classification: Uncertain significance for Acromicric dysplasia; Ectopia lentis 1, isolated, autosomal dominant; Marfan syndrome; Stiff skin syndrome; MASS syndrome; Weill-Marchesani syndrome 2, dominant; Geleophysic dysplasia 2; Progeroid and marfanoid aspect-lipodystrophy syndrome. Last evaluated: 2022-05-23. Review status: criteria provided, single submitter. Criteria: ACMG Guidelines, 2015. Collection method: clinical testing. Allele origin: unknown.